The following is an entry in ClinVar:

ClinVar aggregate classification (germline): Likely benign (1 of 4 stars; one submission).

Conditions:
RALGAPA1-related disorder. Also called: RALGAPA1-related condition.

gnomAD v4.1: 136 of 1,606,406 alleles (0.0085%); highest among the groups gnomAD compares: African/African-American, 0.15%; no homozygotes.

Submission:

PreventionGenetics, part of Exact Sciences
Classification: Likely benign for RALGAPA1-related condition. Last evaluated: 2026-09-12. Review status: criteria provided, single submitter. Criteria: ACMG Guidelines, 2015. Collection method: clinical testing. Allele origin: germline.
Comment: This variant is classified as likely benign based on ACMG/AMP sequence variant interpretation guidelines (Richards et al. 2015 PMID: 25741868, with internal and published modifications).

NM_001346249.2(RALGAPA1):c.7143A>G (p.Thr2381=)

Gene: RALGAPA1 (Ral GTPase activating protein catalytic subunit alpha 1; minus strand). Cytogenetic location: 14q13.2.
Variant type: single nucleotide variant.
Coding change: c.7143A>G on transcript NM_001346249.2 (MANE Select); coding-DNA position 7143, A replaced by G.
Protein change: p.Thr2381=; no amino-acid change (threonine 2381 retained).
Molecular consequence: synonymous variant.
Genome position (GRCh38, 1-based): chr14:35,595,700, T>C on the plus strand (A>G on the coding strand, the complement: RALGAPA1 is on the minus strand). VCF-style: chr14-35595700-T-C. GRCh37 (hg19) VCF-style: chr14-36064906-T-C.
Other names: c.5664A>G, p.Thr1888= (NM_001283043.3); c.5766A>G, p.Thr1922= (NM_001283044.3, NM_001346245.2, NM_001346247.2); c.7002A>G, p.Thr2334= (NM_001330075.3, NM_001346248.2); c.5625A>G, p.Thr1875= (NM_001346243.2, NM_001346246.2, NM_014990.3 and 1 more transcripts).
Identifiers: ClinVar variation 4982636 (VCV004982636.1).